The following is an entry in ClinVar:

NC_000016.9:g.(?_81385168)_(81391556_?)del

Gene: GAN (gigaxonin; plus strand). Cytogenetic location: 16q23.2.
Variant type: Deletion.
Identifiers: ClinVar variation 3243435 (VCV003243435.1).

ClinVar aggregate classification (germline): Pathogenic (1 of 4 stars; one submission).

Conditions:
Giant axonal neuropathy 1 (GAN1). Also called: GIANT AXONAL NEUROPATHY 1, AUTOSOMAL RECESSIVE; GAN-Related Neurodegeneration. Identifiers: Orphanet 643, MedGen C1850386, MONDO:0009749, OMIM 256850.

Submission:

Labcorp Genetics (formerly Invitae), Labcorp
Classification: Pathogenic for Giant axonal neuropathy 1. Last evaluated: 2023-08-30. Review status: criteria provided, single submitter. Criteria: Invitae Variant Classification Sherloc (09022015). Collection method: clinical testing. Allele origin: unknown.
Comment: For these reasons, this variant has been classified as Pathogenic. This variant has not been reported in the literature in individuals affected with GAN-related conditions. This variant is a gross deletion of the genomic region encompassing exon(s) 2-5 of the GAN gene. This deletion is out-of-frame, and is expected to create a premature termination codon and result in an absent or disrupted protein product. Loss-of-function variants in GAN are known to be pathogenic (PMID: 12655563, 14718689, 23890932).

Literature cited by the submitters: PubMed 12655563; PubMed 14718689; PubMed 23890932.